The following is an entry in ClinVar:

ClinVar aggregate classification (germline): Pathogenic/Likely pathogenic. Review status: criteria provided, multiple submitters, no conflicts (2 of 4 stars). 2 submissions from 2 submitters: Pathogenic (1); Likely pathogenic (1). Last evaluated 2023-11-10.

Conditions:
Severe combined immunodeficiency, autosomal recessive, T cell-negative, B cell-negative, NK cell-positive. Also called: SCID, T CELL-NEGATIVE, B CELL-NEGATIVE, NK CELL-POSITIVE; SCID, AR, T-cell negative, B-cell negative, NK cell-positive; Severe combined immunodeficiency due to complete RAG1/2 deficiency. Identifiers: Orphanet 331206, MedGen C1832322, MONDO:0011086, OMIM 601457.
Combined immunodeficiency with skin granulomas. Identifiers: Orphanet 157949, MedGen C2673536, MONDO:0009306, OMIM 233650.
Combined immunodeficiency due to partial RAG1 deficiency. Identifiers: Orphanet 231154, MedGen C1835931, MONDO:0012359, OMIM 609889.

Submissions (2):

Baylor Genetics
Classification: Likely pathogenic for Combined immunodeficiency due to partial RAG1 deficiency. Last evaluated: 2023-11-10. Review status: criteria provided, single submitter. Criteria: ACMG Guidelines, 2015. Collection method: clinical testing. Allele origin: unknown.

Labcorp Genetics (formerly Invitae), Labcorp
Classification: Pathogenic for Combined immunodeficiency with skin granulomas; Severe combined immunodeficiency, autosomal recessive, T cell-negative, B cell-negative, NK cell-positive. Last evaluated: 2023-05-22. Review status: criteria provided, single submitter. Criteria: Invitae Variant Classification Sherloc (09022015). Collection method: clinical testing. Allele origin: germline.
Comment: For these reasons, this variant has been classified as Pathogenic. This variant disrupts a region of the RAG1 protein in which other variant(s) (p.His994Arg) have been determined to be pathogenic (PMID: 33193364; Invitae). This suggests that this is a clinically significant region of the protein, and that variants that disrupt it are likely to be disease-causing. This variant is also known as A246TfsX17. This premature translational stop signal has been observed in individual(s) with Omenn syndrome and/or severe combined immunodeficiency (PMID: 24290284). Information on the frequency of this variant in the gnomAD database is not available, as this variant may be reported differently in the database. This sequence change creates a premature translational stop signal (p.Ala246Thrfs*18) in the RAG1 gene. While this is not anticipated to result in nonsense mediated decay, it is expected to disrupt the last 798 amino acid(s) of the RAG1 protein.

Literature cited by the submitters: PubMed 33193364 (cited by Labcorp Genetics (formerly Invitae), Labcorp); PubMed 24290284 (cited by Labcorp Genetics (formerly Invitae), Labcorp).

NM_000448.3(RAG1):c.736_737delinsA (p.Ala246fs)

Gene: RAG1 (recombination activating 1; plus strand). Cytogenetic location: 11p12.
Variant type: Indel.
Coding change: c.736_737delinsA on transcript NM_000448.3 (MANE Select); coding-DNA positions 736 to 737, GC replaced by A.
Protein change: p.Ala246fs; shifts the reading frame from alanine 246.
Molecular consequence: frameshift variant.
Genome position (GRCh38, 1-based): chr11:36,574,040-36,574,041, GC replaced by A. VCF-style: chr11-36574040-GC-A. GRCh37 (hg19) VCF-style: chr11-36595590-GC-A.
Other names: c.736_737delinsA, p.Ala246fs (NM_001377277.1, NM_001377278.1, NM_001377279.1 and 1 more transcripts); short protein forms A246fs.
Identifiers: ClinVar variation 2678201 (VCV002678201.5), dbSNP rs2494752916, ClinGen allele CA2695201123.